The following is an entry in ClinVar:

ClinVar aggregate classification (germline): Likely benign. Review status: criteria provided, multiple submitters, no conflicts (2 of 4 stars). 5 submissions from 5 submitters: Likely benign (5). Last evaluated 2026-03-03.

Conditions:
Cardiovascular phenotype. Identifiers: MedGen CN230736.
Cardiomyopathy (CMYO). Also called: Cardiomyopathies. Identifiers: Orphanet 167848, MedGen C0878544, MONDO:0004994, HP:0001638. Inheritance: Various modes of inheritance.
Cardiomyopathy, familial restrictive, 3. Identifiers: Orphanet 75249, MedGen C2676271, MONDO:0012900, OMIM 612422.
Dilated cardiomyopathy 1D. Identifiers: Orphanet 154, Orphanet 54260, MedGen C1832243, MONDO:0011095, OMIM 601494.
Hypertrophic cardiomyopathy 2. Also called: TNNT2-Related Familial Hypertrophic Cardiomyopathy. Identifiers: MedGen C1861864, MONDO:0007266, OMIM 115195.
TNNT2-related disorder. Also called: TNNT2-related condition.

Allele frequency attached by ClinVar (database versions not stated): TOPMed below 0.00001; gnomAD 0.00001; gnomAD exomes 0.00001.
gnomAD v4.1: 13 of 1,613,398 alleles (0.00081%); highest among the groups gnomAD compares: African/African-American, 0.012%; no homozygotes.

Submissions (5):

PreventionGenetics, part of Exact Sciences
Classification: Likely benign for TNNT2-related condition. Last evaluated: 2026-03-03. Review status: criteria provided, single submitter. Criteria: ACMG Guidelines, 2015. Collection method: clinical testing. Allele origin: germline.
Comment: This variant is classified as likely benign based on ACMG/AMP sequence variant interpretation guidelines (Richards et al. 2015 PMID: 25741868, with internal and published modifications).

Labcorp Genetics (formerly Invitae), Labcorp
Classification: Likely benign for Cardiomyopathy, familial restrictive, 3; Hypertrophic cardiomyopathy 2; Dilated cardiomyopathy 1D. Last evaluated: 2026-02-01. Review status: criteria provided, single submitter. Criteria: Invitae Variant Classification Sherloc (09022015). Collection method: clinical testing. Allele origin: germline.

All of Us Research Program, National Institutes of Health
Classification: Likely benign for Cardiomyopathy. Last evaluated: 2024-08-06. Review status: criteria provided, single submitter. Criteria: ACMG Guidelines, 2015. Collection method: clinical testing. Allele origin: germline. Inheritance: Autosomal dominant inheritance. Observed: 2 variant alleles, 2 heterozygotes.
Comment: This study involves interpretation of variants in research participants for the purpose of population health screening. Participant phenotype was not available at the time of variant classification. Additional details can be found in publication PMID: 35346344, PMCID: PMC8962531

Ambry Genetics
Classification: Likely benign for Cardiovascular phenotype. Last evaluated: 2024-04-12. Review status: criteria provided, single submitter. Criteria: Ambry Variant Classification Scheme 2023. Collection method: clinical testing. Allele origin: germline.

Blueprint Genetics
Classification: Likely benign. Last evaluated: 2022-12-09. Review status: criteria provided, single submitter. Criteria: ACMG Guidelines, 2015. Collection method: clinical testing. Allele origin: germline.

NM_001276345.2(TNNT2):c.405C>T (p.Asp135=)

Gene: TNNT2 (troponin T2, cardiac type; minus strand). Cytogenetic location: 1q32.1.
Variant type: single nucleotide variant.
Coding change: c.405C>T on transcript NM_001276345.2 (MANE Select); coding-DNA position 405, C replaced by T.
Protein change: p.Asp135=; no amino-acid change (aspartic acid 135 retained).
Molecular consequence: synonymous variant. On other transcripts: intron variant (1).
Genome position (GRCh38, 1-based): chr1:201,365,197, G>A on the plus strand (C>T on the coding strand, the complement: TNNT2 is on the minus strand). VCF-style: chr1-201365197-G-A. GRCh37 (hg19) VCF-style: chr1-201334325-G-A.
Other names: c.375C>T (NM_001001430.2, NM_001001430.1); c.405C>T, p.Asp135= (NM_000364.4); c.375C>T, p.Asp125= (NM_001001430.3, NM_001001431.3, NM_001276347.2); c.360C>T, p.Asp120= (NM_001001432.3); c.291+413C>T (NM_001276346.2).
Identifiers: ClinVar variation 1159466 (VCV001159466.13), dbSNP rs1161852405, ClinGen allele CA088128.